The following is an entry in ClinVar:

NM_153460.4(IL17RC):c.2133_2144del (p.710PGAG[1])

Genes: IL17RC (interleukin 17 receptor C; plus strand), LOC129936144 (ATAC-STARR-seq lymphoblastoid silent region 14051; plus strand). Cytogenetic location: 3p25.3.
Variant type: Deletion.
Coding change: c.2133_2144del on transcript NM_153460.4 (MANE Select); coding-DNA positions 2133 to 2144, 12 bases deleted (CGCGGGACCTGG).
Protein change: p.710PGAG[1].
Molecular consequence: inframe deletion. On other transcripts: non-coding transcript variant (1).
Genome position (GRCh38, 1-based): chr3:9,933,563-9,933,574, CGCGGGACCTGG deleted; deleting any 12 consecutive bases within chr3:9,933,561-9,933,574 gives the same sequence; the c. name uses the placement nearest the transcript's 3' end. VCF-style (leftmost placement, unchanged base first): chr3-9933560-AGGCGCGGGACCT-A. GRCh37 (hg19) VCF-style: chr3-9975244-AGGCGCGGGACCT-A.
Other names: c.2094_2105del, p.697PGAG[1] (NM_001203263.2); c.2043_2054del, p.680PGAG[1] (NM_001203264.2); c.2037_2048del, p.678PGAG[1] (NM_001203265.2); c.2055_2066del, p.684PGAG[1] (NM_001367278.1); c.1974_1985del, p.657PGAG[1] (NM_001367279.1); c.2049_2060del, p.682PGAG[1] (NM_001367280.1); c.2088_2099del, p.695PGAG[1] (NM_032732.6); c.2346_2357del, p.781PGAG[1] (NM_153461.4).
Identifiers: ClinVar variation 859398 (VCV000859398.7), dbSNP rs765314616, ClinGen allele CA2247504.

ClinVar aggregate classification (germline): Uncertain significance (1 of 4 stars; one submission).

Conditions:
Candidiasis, familial, 9 (CANDF9). Identifiers: Orphanet 1334, MedGen C4225324, MONDO:0014642, OMIM 616445.

Submission:

Labcorp Genetics (formerly Invitae), Labcorp
Classification: Uncertain significance for Candidiasis, familial, 9. Last evaluated: 2026-01-06. Review status: criteria provided, single submitter. Criteria: Invitae Variant Classification Sherloc (09022015). Collection method: clinical testing. Allele origin: germline.
Comment: This variant, c.2346_2357del, results in the deletion of 4 amino acid(s) of the IL17RC protein (p.Pro785_Gly788del), but otherwise preserves the integrity of the reading frame. This variant is present in population databases (rs765314616, gnomAD 0.02%). This variant has not been reported in the literature in individuals affected with IL17RC-related conditions. ClinVar contains an entry for this variant (Variation ID: 859398). Experimental studies and prediction algorithms are not available or were not evaluated, and the functional significance of this variant is currently unknown. In summary, the available evidence is currently insufficient to determine the role of this variant in disease. Therefore, it has been classified as a Variant of Uncertain Significance.